The following is an entry in ClinVar:

ClinVar aggregate classification (germline): Uncertain significance. Review status: criteria provided, multiple submitters, no conflicts (2 of 4 stars). 4 submissions from 4 submitters: Uncertain significance (4). Last evaluated 2025-02-06.

Conditions:
Hereditary pulmonary alveolar proteinosis. Also called: Pulmonary surfactant metabolism dysfunction. Identifiers: Orphanet 264675, MedGen C3711368, MONDO:0012580.
Interstitial lung disease due to ABCA3 deficiency. Also called: PULMONARY ALVEOLAR PROTEINOSIS, CONGENITAL, 3. Identifiers: Orphanet 440402, MedGen C1970456, MONDO:0012582, OMIM 610921.

Allele frequency attached by ClinVar (database versions not stated): ESP Exome Variant Server 0.00008; 1000 Genomes Project 0.00040; 1000 Genomes Project 30x 0.00047.
gnomAD v4.1: 247 of 1,613,960 alleles (0.015%); highest among the groups gnomAD compares: Non-Finnish European, 0.02%; no homozygotes.

Submissions (4):

Ambry Genetics
Classification: Uncertain significance for Hereditary pulmonary alveolar proteinosis. Last evaluated: 2025-02-06. Review status: criteria provided, single submitter. Criteria: Ambry Variant Classification Scheme 2023. Collection method: clinical testing. Allele origin: germline.

Labcorp Genetics (formerly Invitae), Labcorp
Classification: Uncertain significance. Last evaluated: 2024-10-30. Review status: criteria provided, single submitter. Criteria: Invitae Variant Classification Sherloc (09022015). Collection method: clinical testing. Allele origin: germline.
Comment: This sequence change replaces glycine, which is neutral and non-polar, with serine, which is neutral and polar, at codon 1018 of the ABCA3 protein (p.Gly1018Ser). This variant is present in population databases (rs201700257, gnomAD 0.02%). This variant has not been reported in the literature in individuals affected with ABCA3-related conditions. ClinVar contains an entry for this variant (Variation ID: 1799280). Invitae Evidence Modeling of protein sequence and biophysical properties (such as structural, functional, and spatial information, amino acid conservation, physicochemical variation, residue mobility, and thermodynamic stability) indicates that this missense variant is not expected to disrupt ABCA3 protein function with a negative predictive value of 80%. In summary, the available evidence is currently insufficient to determine the role of this variant in disease. Therefore, it has been classified as a Variant of Uncertain Significance.

Blueprint Genetics
Classification: Uncertain significance. Last evaluated: 2023-12-12. Review status: criteria provided, single submitter. Criteria: ACMG Guidelines, 2015. Collection method: clinical testing. Allele origin: germline.

Johns Hopkins Genomics, Johns Hopkins University
Classification: Uncertain significance for Interstitial lung disease due to ABCA3 deficiency. Last evaluated: 2023-05-16. Review status: criteria provided, single submitter. Criteria: ACMG Guidelines, 2015. Collection method: clinical testing. Allele origin: germline.
Comment: This ABCA3 missense variant (rs201700257) is rare (<0.1%) in a large population dataset (gnomAD v2.1.1: 30/281916 total alleles; 0.01%; no homozygotes). It has been reported in ClinVar (Variation ID 1799280), but has not been reported in the literature, to our knowledge. Two bioinformatic tools queried predict that this substitution would be tolerated. The glycine residue at this position is evolutionarily conserved across many species assessed, but several species have a different amino acid at this position, including multiple species with serine. We consider the clinical significance of c.3052G>A; p.Gly1018Ser in ABCA3 to be uncertain at this time.

Literature cited by the submitters: PubMed 19220077 (cited by Johns Hopkins Genomics, Johns Hopkins University).

NM_001089.3(ABCA3):c.3052G>A (p.Gly1018Ser)

Gene: ABCA3 (ATP binding cassette subfamily A member 3; minus strand). Cytogenetic location: 16p13.3.
Variant type: single nucleotide variant.
Coding change: c.3052G>A on transcript NM_001089.3 (MANE Select); coding-DNA position 3052, G replaced by A.
Protein change: p.Gly1018Ser; replaces glycine 1018 with serine.
Molecular consequence: missense variant.
Genome position (GRCh38, 1-based): chr16:2,286,920, C>T on the plus strand (G>A on the coding strand, the complement: ABCA3 is on the minus strand). VCF-style: chr16-2286920-C-T. GRCh37 (hg19) VCF-style: chr16-2336921-C-T.
Other names: short protein forms G1018S.
Identifiers: ClinVar variation 1799280 (VCV001799280.7), dbSNP rs201700257, ClinGen allele CA7840615.